The following is an entry in ClinVar:

NM_024422.6(DSC2):c.1111G>T (p.Val371Leu)

Gene: DSC2 (desmocollin 2; minus strand). Cytogenetic location: 18q12.1.
Variant type: single nucleotide variant.
Coding change: c.1111G>T on transcript NM_024422.6 (MANE Select); coding-DNA position 1111, G replaced by T.
Protein change: p.Val371Leu; replaces valine 371 with leucine.
Molecular consequence: missense variant.
Genome position (GRCh38, 1-based): chr18:31,082,390, C>A on the plus strand (G>T on the coding strand, the complement: DSC2 is on the minus strand). VCF-style: chr18-31082390-C-A. GRCh37 (hg19) VCF-style: chr18-28662356-C-A.
Other names: c.1111G>T, p.Val371Leu (NM_004949.5); short protein forms V371L.
Identifiers: ClinVar variation 1172361 (VCV001172361.3), dbSNP rs1252791235, ClinGen allele CA402109979.

ClinVar aggregate classification (germline): Uncertain significance (1 of 4 stars; one submission).

Conditions:
Cardiomyopathy (CMYO). Also called: Cardiomyopathies. Identifiers: Orphanet 167848, MedGen C0878544, MONDO:0004994, HP:0001638. Inheritance: Various modes of inheritance.

Submission:

Color Diagnostics, LLC DBA Color Health
Classification: Uncertain significance for Cardiomyopathy. Last evaluated: 2024-03-06. Review status: criteria provided, single submitter. Criteria: ACMG Guidelines, 2015. Collection method: clinical testing. Allele origin: germline.
Comment: This missense variant replaces valine with leucine at codon 371 of the DSC2 protein. Computational prediction suggests that this variant may not impact protein structure and function (internally defined REVEL score threshold <= 0.5, PMID: 27666373). To our knowledge, functional studies have not been reported for this variant. This variant has not been reported in individuals affected with cardiovascular disorders in the literature. This variant has not been identified in the general population by the Genome Aggregation Database (gnomAD). The available evidence is insufficient to determine the role of this variant in disease conclusively. Therefore, this variant is classified as a Variant of Uncertain Significance.